The following is an entry in ClinVar:

NM_017636.4(TRPM4):c.2766C>A (p.Ile922=)

Gene: TRPM4 (transient receptor potential cation channel subfamily M member 4; plus strand). Cytogenetic location: 19q13.33.
Variant type: single nucleotide variant.
Coding change: c.2766C>A on transcript NM_017636.4 (MANE Select); coding-DNA position 2766, C replaced by A.
Protein change: p.Ile922=; no amino-acid change (isoleucine 922 retained).
Molecular consequence: synonymous variant.
Genome position (GRCh38, 1-based): chr19:49,200,420, C>A. VCF-style: chr19-49200420-C-A. GRCh37 (hg19) VCF-style: chr19-49703677-C-A.
Other names: c.2331C>A, p.Ile777= (NM_001195227.2); c.2421C>A, p.Ile807= (NM_001321281.2); c.1158C>A, p.Ile386= (NM_001321282.2); c.2244C>A, p.Ile748= (NM_001321283.2); c.1704C>A, p.Ile568= (NM_001321285.2); c.2766C>A (NM_017636.3).
Identifiers: ClinVar variation 994044 (VCV000994044.13), dbSNP rs774680517, ClinGen allele CA9569642.

ClinVar aggregate classification (germline): Conflicting classifications of pathogenicity. Review status: criteria provided, conflicting classifications (1 of 4 stars). 3 submissions from 3 submitters: Uncertain significance (2); Likely benign (1). Last evaluated 2023-02-20.

Conditions:
Cardiovascular phenotype. Identifiers: MedGen CN230736.
Progressive familial heart block type IB (PFHB1B). Identifiers: Orphanet 871, MedGen C1970298, MONDO:0011474, OMIM 604559.

Allele frequency attached by ClinVar (database versions not stated): TOPMed 0.00002; ExAC 0.00003.
gnomAD v4.1: 15 of 1,423,402 alleles (0.0011%); highest among the groups gnomAD compares: South Asian, 0.0057%; no homozygotes.

Submissions (3):

Labcorp Genetics (formerly Invitae), Labcorp
Classification: Uncertain significance for Progressive familial heart block type IB. Last evaluated: 2023-02-20. Review status: criteria provided, single submitter. Criteria: Invitae Variant Classification Sherloc (09022015). Collection method: clinical testing. Allele origin: germline.
Comment: This sequence change affects codon 922 of the TRPM4 mRNA. It is a 'silent' change, meaning that it does not change the encoded amino acid sequence of the TRPM4 protein. This variant is present in population databases (rs774680517, gnomAD 0.003%). This variant has not been reported in the literature in individuals affected with TRPM4-related conditions. ClinVar contains an entry for this variant (Variation ID: 994044). In summary, the available evidence is currently insufficient to determine the role of this variant in disease. Therefore, it has been classified as a Variant of Uncertain Significance. Algorithms developed to predict the effect of sequence changes on RNA splicing suggest that this variant may create or strengthen a splice site.

Ambry Genetics
Classification: Uncertain significance for Cardiovascular phenotype. Last evaluated: 2021-08-16. Review status: criteria provided, single submitter. Criteria: Ambry Variant Classification Scheme 2023. Collection method: clinical testing. Allele origin: germline.
Comment: The c.2766C>A (p.I922I) alteration is located in exon 18 (coding exon 18) of the TRPM4 gene. This alteration consists of a C to A substitution at nucleotide position 2766. This nucleotide substitution does not change the amino acid at codon 922. However, this change occurs in the last nucleotide of Exon 18 (c.2646_2778) which makes it likely to have some effect on normal mRNA splicing. Based on insufficient or conflicting evidence, the clinical significance of this alteration remains unclear.

ARUP Laboratories, Molecular Genetics and Genomics, ARUP Laboratories
Classification: Likely benign. Last evaluated: 2019-09-25. Review status: criteria provided, single submitter. Criteria: ARUP Molecular Germline Variant Investigation Process. Collection method: clinical testing. Allele origin: germline.